The following is an entry in ClinVar:

NM_007294.4(BRCA1):c.149A>T (p.Lys50Ile)

Gene: BRCA1 (BRCA1 DNA repair associated; minus strand). Cytogenetic location: 17q21.31.
Variant type: single nucleotide variant.
Coding change: c.149A>T on transcript NM_007294.4 (MANE Select); coding-DNA position 149, A replaced by T.
Protein change: p.Lys50Ile; replaces lysine 50 with isoleucine.
Molecular consequence: missense variant. On other transcripts: non-coding transcript variant (1).
Genome position (GRCh38, 1-based): chr17:43,106,519, T>A on the plus strand (A>T on the coding strand, the complement: BRCA1 is on the minus strand). VCF-style: chr17-43106519-T-A. GRCh37 (hg19) VCF-style: chr17-41258536-T-A.
Other names: c.149A>T, p.Lys50Ile (NM_001407628.1, NM_001407629.1, NM_001407630.1 and 168 more transcripts); c.8A>T, p.Lys3Ile (NM_001407692.1, NM_001407694.1, NM_001407695.1 and 99 more transcripts); c.-40A>T (NM_001407571.1, NM_001407879.1, NM_001407881.1 and 58 more transcripts); short protein forms K50I, K3I.
Identifiers: ClinVar variation 868226 (VCV000868226.3), dbSNP rs2054791529, ClinGen allele CA10601857.

Conditions:
Breast-ovarian cancer, familial, susceptibility to, 1 (BROVCA1). Also called: BRCA1 Hereditary Breast and Ovarian Cancer; OVARIAN CANCER, SUSCEPTIBILITY TO. Identifiers: Orphanet 145, MedGen C2676676, MONDO:0011450, OMIM 604370. Disease mechanism: loss of function.

Submission:

Brotman Baty Institute, University of Washington
No classification provided (evidence only). Condition: Breast-ovarian cancer, familial 1. Review status: no classification provided. Collection method: in vitro. Allele origin: not applicable. Functional consequence: functionally_normal.
ClinVar note: "not provided" was previously submitted as the classification for the variant. However, the classification appeared to be based only on an observation of functional data so it was converted to no classification on 2025-07-30.